The following is an entry in ClinVar:

NM_138690.3(GRIN3B):c.646C>T (p.Arg216Trp)

Gene: GRIN3B (glutamate ionotropic receptor NMDA type subunit 3B; plus strand). Cytogenetic location: 19p13.3.
Variant type: single nucleotide variant.
Coding change: c.646C>T on transcript NM_138690.3 (MANE Select); coding-DNA position 646, C replaced by T.
Protein change: p.Arg216Trp; replaces arginine 216 with tryptophan.
Molecular consequence: missense variant.
Genome position (GRCh38, 1-based): chr19:1,003,349, C>T. VCF-style: chr19-1003349-C-T. GRCh37 (hg19) VCF-style: chr19-1003348-C-T.
Other names: short protein forms R216W.
Identifiers: ClinVar variation 4820845 (VCV004820845.4).
Genomic context (GRCh38, chr19:1,003,349, plus strand): 5'-GGCCGGCCCCCACAGCTGGTCCTGGACCTAAGCCGGCGGGACACGGGAGATGCAGGACTG[C>T]GGGCACGCCTGGCCCCGATGGCGGCGCCAGTGGGGGGTGAAGCACCGGTACCCGCGGCGG-3'
Protein context (NP_619635.1, residues 206-226): SRRDTGDAGL[Arg216Trp]ARLAPMAAPV

ClinVar aggregate classification (germline): Likely benign (1 of 4 stars; one submission).

Submission:

CeGaT Center for Human Genetics Tuebingen
Classification: Likely benign. Last evaluated: 2026-03-01. Review status: criteria provided, single submitter. Criteria: CeGaT Center For Human Genetics Tuebingen Variant Classification Criteria Version 2. Collection method: clinical testing. Allele origin: germline. Affected: yes. Observed: 1 variant allele.
Comment: GRIN3B: BS1